The following is an entry in ClinVar:

NM_000053.4(ATP7B):c.1182G>C (p.Leu394Phe)

Gene: ATP7B (ATPase copper transporting beta; minus strand). Cytogenetic location: 13q14.3.
Variant type: single nucleotide variant.
Coding change: c.1182G>C on transcript NM_000053.4 (MANE Select); coding-DNA position 1182, G replaced by C.
Protein change: p.Leu394Phe; replaces leucine 394 with phenylalanine.
Molecular consequence: missense variant.
Genome position (GRCh38, 1-based): chr13:51,974,038, C>G on the plus strand (G>C on the coding strand, the complement: ATP7B is on the minus strand). VCF-style: chr13-51974038-C-G. GRCh37 (hg19) VCF-style: chr13-52548174-C-G.
Other names: c.1182G>C, p.Leu394Phe (NM_001005918.3, NM_001330578.2, NM_001330579.2); c.849G>C, p.Leu283Phe (NM_001243182.2); short protein forms L283F, L394F.
Identifiers: ClinVar variation 852844 (VCV000852844.8), dbSNP rs201874048, ClinGen allele CA6989422.
Genomic context (GRCh38, chr13:51,974,038, plus strand): 5'-TCTGAGTTCTTCTGGGCTAATTACAGAGGGATTATAAAGAACTGTTGCAGTCCCTTCGGC[C>G]AAAGACACCGATATTTGCTGCACCCCTTCCAGTTGGGAGATCATGCCTTCAATGGAATGG-3'
Protein context (NP_000044.2, residues 384-404): LEGVQQISVS[Leu394Phe]AEGTATVLYN

ClinVar aggregate classification (germline): Uncertain significance. Review status: criteria provided, multiple submitters, no conflicts (2 of 4 stars). 5 submissions from 5 submitters: Uncertain significance (4). 1 of the submissions does not count toward it. Last evaluated 2026-08-15.

Conditions:
Wilson disease (WND). Also called: Wilson's disease. Identifiers: Orphanet 905, MedGen C0019202, MONDO:0010200, OMIM 277900. Disease mechanism: loss of function.

Allele frequency attached by ClinVar (database versions not stated): gnomAD 0.00001; gnomAD exomes 0.00002 and 0.00004; TOPMed 0.00002; ExAC 0.00006; ESP Exome Variant Server 0.00008.
gnomAD v4.1: 36 of 1,614,084 alleles (0.0022%); highest among the groups gnomAD compares: Non-Finnish European, 0.0027%; no homozygotes.

Submissions (5):

GeneDx
Classification: Uncertain significance. Last evaluated: 2026-08-15. Review status: criteria provided, single submitter. Criteria: GeneDx Variant Classification Process June 2021. Collection method: clinical testing. Allele origin: germline.
Comment: Reported in an individual in a Parkinson's disease cohort in addition to a variant in the ANKK1 gene (PMID: 33972609); Not observed at significant frequency in large population cohorts (gnomAD); In silico analysis supports that this missense variant has a deleterious effect on protein structure/function; This variant is associated with the following publications: (PMID: 33972609)

All of Us Research Program, National Institutes of Health
Classification: Uncertain significance for Wilson disease. Last evaluated: 2023-11-02. Review status: criteria provided, single submitter. Criteria: ACMG Guidelines, 2015. Collection method: clinical testing. Allele origin: germline. Inheritance: Autosomal recessive inheritance. Observed: 8 variant alleles, 8 heterozygotes.
Comment: This missense variant replaces leucine with phenylalanine at codon 394 of the ATP7B protein. Computational prediction suggests that this variant may not impact protein structure and function (internally defined REVEL score threshold <= 0.5, PMID: 27666373). To our knowledge, functional studies have not been reported for this variant. This variant has not been reported in individuals affected with ATP7B-related disorders in the literature. This variant has been identified in 11/280950 chromosomes in the general population by the Genome Aggregation Database (gnomAD). The available evidence is insufficient to determine the role of this variant in disease conclusively. Therefore, this variant is classified as a Variant of Uncertain Significance.

This study involves interpretation of variants in research participants for the purpose of population health screening. Participant phenotype was not available at the time of variant classification. Additional details can be found in publication PMID: 35346344, PMCID: PMC8962531

Color Diagnostics, LLC DBA Color Health
Classification: Uncertain significance for Wilson disease. Last evaluated: 2022-12-19. Review status: criteria provided, single submitter. Criteria: ACMG Guidelines, 2015. Collection method: clinical testing. Allele origin: germline.
Comment: This missense variant replaces leucine with phenylalanine at codon 394 of the ATP7B protein. Computational prediction suggests that this variant may not impact protein structure and function. To our knowledge, functional studies have not been reported for this variant. This variant has not been reported in individuals affected with ATP7B-related disorders in the literature. This variant has been identified in 11/280950 chromosomes in the general population by the Genome Aggregation Database (gnomAD). The available evidence is insufficient to determine the role of this variant in disease conclusively. Therefore, this variant is classified as a Variant of Uncertain Significance.

Labcorp Genetics (formerly Invitae), Labcorp
Classification: Uncertain significance for Wilson disease. Last evaluated: 2022-09-01. Review status: criteria provided, single submitter. Criteria: Invitae Variant Classification Sherloc (09022015). Collection method: clinical testing. Allele origin: germline.
Comment: This sequence change replaces leucine, which is neutral and non-polar, with phenylalanine, which is neutral and non-polar, at codon 394 of the ATP7B protein (p.Leu394Phe). This variant is present in population databases (rs201874048, gnomAD 0.009%). This variant has not been reported in the literature in individuals affected with ATP7B-related conditions. ClinVar contains an entry for this variant (Variation ID: 852844). Advanced modeling of protein sequence and biophysical properties (such as structural, functional, and spatial information, amino acid conservation, physicochemical variation, residue mobility, and thermodynamic stability) performed at Invitae indicates that this missense variant is not expected to disrupt ATP7B protein function. In summary, the available evidence is currently insufficient to determine the role of this variant in disease. Therefore, it has been classified as a Variant of Uncertain Significance.

Natera, Inc.
Classification: Uncertain significance for Wilson disease. Last evaluated: 2020-04-15. Review status: no assertion criteria provided. Collection method: clinical testing. Allele origin: germline. Not counted in ClinVar's aggregate classification.